The following is an entry in ClinVar:

NM_015231.3(NUP160):c.1686T>A (p.Asp562Glu)

Gene: NUP160 (nucleoporin 160; minus strand). Cytogenetic location: 11p11.2.
Variant type: single nucleotide variant.
Coding change: c.1686T>A on transcript NM_015231.3 (MANE Select); coding-DNA position 1686, T replaced by A.
Protein change: p.Asp562Glu; replaces aspartic acid 562 with glutamic acid.
Molecular consequence: missense variant. On other transcripts: non-coding transcript variant (1).
Genome position (GRCh38, 1-based): chr11:47,813,046, A>T on the plus strand (T>A on the coding strand, the complement: NUP160 is on the minus strand). VCF-style: chr11-47813046-A-T. GRCh37 (hg19) VCF-style: chr11-47834598-A-T.
Other names: short protein forms D562E.
Identifiers: ClinVar variation 4123972 (VCV004123972.2).
Genomic context (GRCh38, chr11:47,813,046, plus strand): 5'-TGACTCTTCAATCAGCCGGAGGCATTTTATAAGACATATGACATCCCGAGCGATGTCCAC[A>T]TCTACAAATAAGAGAAAGTTAACATTTATGTCTTAAGCCAATGACAATCTATTGATTGAT-3'
Protein context (NP_056046.2, residues 552-572): LTEDETTISD[Asp562Glu]VDIARDVICL

ClinVar aggregate classification (germline): Uncertain significance. Review status: criteria provided, multiple submitters, no conflicts (2 of 4 stars). 2 submissions from 2 submitters: Uncertain significance (2). Last evaluated 2025-08-12.

gnomAD v4.1: 71 of 1,590,608 alleles (0.0045%); highest among the groups gnomAD compares: Non-Finnish European, 0.0061%; no homozygotes.

Submissions (2):

Labcorp Genetics (formerly Invitae), Labcorp
Classification: Uncertain significance. Last evaluated: 2025-08-12. Review status: criteria provided, single submitter. Criteria: Invitae Variant Classification Sherloc (09022015). Collection method: clinical testing. Allele origin: germline.
Comment: This sequence change replaces aspartic acid, which is acidic and polar, with glutamic acid, which is acidic and polar, at codon 596 of the NUP160 protein (p.Asp596Glu). This variant is present in population databases (rs375035297, gnomAD 0.003%). This variant has not been reported in the literature in individuals affected with NUP160-related conditions. An algorithm developed to predict the effect of missense changes on protein structure and function (PolyPhen-2) suggests that this variant is likely to be tolerated. In summary, the available evidence is currently insufficient to determine the role of this variant in disease. Therefore, it has been classified as a Variant of Uncertain Significance.

Ambry Genetics
Classification: Uncertain significance. Last evaluated: 2025-07-12. Review status: criteria provided, single submitter. Criteria: Ambry Variant Classification Scheme 2023. Collection method: clinical testing. Allele origin: germline.